The following is an entry in ClinVar:

ClinVar aggregate classification (germline): Conflicting classifications of pathogenicity. Review status: criteria provided, conflicting classifications (1 of 4 stars). 2 submissions from 2 submitters: Likely pathogenic (1); Uncertain significance (1). Last evaluated 2026-04-14.

Conditions:
Familial intrahepatic cholestasis. Identifiers: Orphanet 284385, MedGen CN296401, MONDO:0017290.

Submissions (2):

Genomenon, Inc
Classification: Uncertain significance for Familial intrahepatic cholestasis. Last evaluated: 2026-04-14. Review status: criteria provided, single submitter. Criteria: Genomenon Sequence Variant Interpretation Standards - Updated. Collection method: curation. Allele origin: germline. Affected: yes.
Comment: ABCB11 p.Leu1241Pro (c.3722T>C) is a missense variant that changes the amino acid at residue 1241 from Leucine to Proline. This variant has been observed in at least one proband with an ABCB11-related disorder (PMID:39768432). The variant was found to segregate with disease in at least one affected family (PMID:39768432). It is absent or not present at a significant frequency in gnomAD. In silico models predict that this variant is possibly or probably damaging. In conclusion, we classify ABCB11 p.Leu1241Pro (c.3722T>C) as a variant of uncertain significance.

CeGaT Center for Human Genetics Tuebingen
Classification: Likely pathogenic. Last evaluated: 2021-01-01. Review status: criteria provided, single submitter. Criteria: CeGaT Center For Human Genetics Tuebingen Variant Classification Criteria Version 2. Collection method: clinical testing. Allele origin: germline. Affected: yes. Observed: 2 variant alleles.

Literature cited by the submitters: PubMed 39768432 (cited by Genomenon, Inc).

NM_003742.4(ABCB11):c.3722T>C (p.Leu1241Pro)

Gene: ABCB11 (ATP binding cassette subfamily B member 11; minus strand). Cytogenetic location: 2q31.1.
Variant type: single nucleotide variant.
Coding change: c.3722T>C on transcript NM_003742.4 (MANE Select); coding-DNA position 3722, T replaced by C.
Protein change: p.Leu1241Pro; replaces leucine 1241 with proline.
Molecular consequence: missense variant.
Genome position (GRCh38, 1-based): chr2:168,924,700, A>G on the plus strand (T>C on the coding strand, the complement: ABCB11 is on the minus strand). VCF-style: chr2-168924700-A-G. GRCh37 (hg19) VCF-style: chr2-169781210-A-G.
Other names: c.3722T>C, p.Leu1241Pro (LRG_1199t1); short protein forms L1241P.
Identifiers: ClinVar variation 425232 (VCV000425232.44), dbSNP rs1064797269, ClinGen allele CA16621771.